The following is an entry in ClinVar:

NM_004360.5(CDH1):c.2130T>G (p.Ile710Met)

Gene: CDH1 (cadherin 1; plus strand). Cytogenetic location: 16q22.1.
Variant type: single nucleotide variant.
Coding change: c.2130T>G on transcript NM_004360.5 (MANE Select); coding-DNA position 2130, T replaced by G.
Protein change: p.Ile710Met; replaces isoleucine 710 with methionine.
Molecular consequence: missense variant.
Genome position (GRCh38, 1-based): chr16:68,823,592, T>G. VCF-style: chr16-68823592-T-G. GRCh37 (hg19) VCF-style: chr16-68857495-T-G.
Other names: c.1947T>G, p.Ile649Met (NM_001317184.2); c.582T>G, p.Ile194Met (NM_001317185.2); c.165T>G, p.Ile55Met (NM_001317186.2); short protein forms I194M, I710M, I55M, I649M.
Identifiers: ClinVar variation 935477 (VCV000935477.13), dbSNP rs1961236313, ClinGen allele CA396467908.

ClinVar aggregate classification (germline): Uncertain significance. Review status: criteria provided, multiple submitters, no conflicts (2 of 4 stars). 2 submissions from 2 submitters: Uncertain significance (2). Last evaluated 2025-11-04.

Conditions:
Hereditary cancer-predisposing syndrome. Also called: Tumor predisposition; Hereditary neoplastic syndrome; Neoplastic Syndromes, Hereditary; Hereditary Cancer Syndrome. Identifiers: Orphanet 140162, MedGen C0027672, MeSH D009386, MONDO:0015356.
Hereditary diffuse gastric adenocarcinoma (HDGC). Also called: DIFFUSE GASTRIC AND LOBULAR BREAST CANCER SYNDROME. Identifiers: Orphanet 26106, MedGen C1708349, MONDO:0007648, OMIM 137215.

Submissions (2):

Labcorp Genetics (formerly Invitae), Labcorp
Classification: Uncertain significance for Hereditary diffuse gastric adenocarcinoma. Last evaluated: 2025-11-04. Review status: criteria provided, single submitter. Criteria: Invitae Variant Classification Sherloc (09022015). Collection method: clinical testing. Allele origin: germline.
Comment: This sequence change replaces isoleucine, which is neutral and non-polar, with methionine, which is neutral and non-polar, at codon 710 of the CDH1 protein (p.Ile710Met). This variant is not present in population databases (gnomAD no frequency). This variant has not been reported in the literature in individuals affected with CDH1-related conditions. ClinVar contains an entry for this variant (Variation ID: 935477). An algorithm developed to predict the effect of missense changes on protein structure and function (PolyPhen-2) suggests that this variant is likely to be disruptive. In summary, the available evidence is currently insufficient to determine the role of this variant in disease. Therefore, it has been classified as a Variant of Uncertain Significance.

Ambry Genetics
Classification: Uncertain significance for Hereditary cancer-predisposing syndrome. Last evaluated: 2024-09-20. Review status: criteria provided, single submitter. Criteria: Ambry Variant Classification Scheme 2023. Collection method: clinical testing. Allele origin: germline.
Comment: The p.I710M variant (also known as c.2130T>G), located in coding exon 13 of the CDH1 gene, results from a T to G substitution at nucleotide position 2130. The isoleucine at codon 710 is replaced by methionine, an amino acid with highly similar properties. This amino acid position is well conserved in available vertebrate species. In addition, this alteration is predicted to be tolerated by in silico analysis. Based on the available evidence, the clinical significance of this variant remains unclear.